The following is an entry in ClinVar:

ClinVar aggregate classification (germline): Uncertain significance (1 of 4 stars; one submission).

Conditions:
Agammaglobulinemia 6, autosomal recessive (AGM6). Also called: AGAMMAGLOBULINEMIA 6; AGAMMAGLOBULINEMIA, AUTOSOMAL RECESSIVE, DUE TO CD79B DEFECT. Identifiers: MedGen C3150207, MONDO:0012987, OMIM 612692.

Allele frequency attached by ClinVar (database versions not stated): TOPMed 0.00001.
gnomAD v4.1: 9 of 1,614,038 alleles (0.00056%); highest among the groups gnomAD compares: Middle Eastern, 0.016%; no homozygotes.

Submission:

Labcorp Genetics (formerly Invitae), Labcorp
Classification: Uncertain significance for Agammaglobulinemia 6, autosomal recessive. Last evaluated: 2021-12-13. Review status: criteria provided, single submitter. Criteria: Invitae Variant Classification Sherloc (09022015). Collection method: clinical testing. Allele origin: germline.
Comment: This sequence change replaces serine, which is neutral and polar, with tryptophan, which is neutral and slightly polar, at codon 31 of the CD79B protein (p.Ser31Trp). This variant is present in population databases (rs750544228, gnomAD 0.004%). This variant has not been reported in the literature in individuals affected with CD79B-related conditions. ClinVar contains an entry for this variant (Variation ID: 968178). Algorithms developed to predict the effect of missense changes on protein structure and function are either unavailable or do not agree on the potential impact of this missense change (SIFT: "Not Available"; PolyPhen-2: "Benign"; Align-GVGD: "Not Available"). In summary, the available evidence is currently insufficient to determine the role of this variant in disease. Therefore, it has been classified as a Variant of Uncertain Significance.

NM_000626.4(CD79B):c.92C>G (p.Ser31Trp)

Genes: CD79B (CD79b molecule; minus strand), GH-LCR (growth hormone locus control region; plus strand). Cytogenetic location: 17q23.3.
Variant type: single nucleotide variant.
Coding change: c.92C>G on transcript NM_000626.4 (MANE Select); coding-DNA position 92, C replaced by G.
Protein change: p.Ser31Trp; replaces serine 31 with tryptophan.
Molecular consequence: missense variant.
Genome position (GRCh38, 1-based): chr17:63,931,361, G>C on the plus strand (C>G on the coding strand, the complement: CD79B is on the minus strand). VCF-style: chr17-63931361-G-C. GRCh37 (hg19) VCF-style: chr17-62008721-G-C.
Other names: c.95C>G, p.Ser32Trp (NM_001039933.3, NM_001329050.2); c.92C>G, p.Ser31Trp (NM_021602.4); short protein forms S31W, S32W.
Identifiers: ClinVar variation 968178 (VCV000968178.7), dbSNP rs750544228, ClinGen allele CA8708659.